The following is an entry in ClinVar:

ClinVar aggregate classification (germline): Uncertain significance (1 of 4 stars; one submission).

Submission:

CeGaT Center for Human Genetics Tuebingen
Classification: Uncertain significance. Last evaluated: 2024-07-01. Review status: criteria provided, single submitter. Criteria: CeGaT Center For Human Genetics Tuebingen Variant Classification Criteria Version 2. Collection method: clinical testing. Allele origin: germline. Affected: yes. Observed: 1 variant allele.
Comment: ANKRD17: PM2

NM_032217.5(ANKRD17):c.71C>A (p.Ala24Glu)

Genes: ANKRD17 (ankyrin repeat domain 17; minus strand), LOC129992670 (ATAC-STARR-seq lymphoblastoid silent region 15476; plus strand). Cytogenetic location: 4q13.3.
Variant type: single nucleotide variant.
Coding change: c.71C>A on transcript NM_032217.5 (MANE Select); coding-DNA position 71, C replaced by A.
Protein change: p.Ala24Glu; replaces alanine 24 with glutamic acid.
Molecular consequence: missense variant.
Genome position (GRCh38, 1-based): chr4:73,258,598, G>T on the plus strand (C>A on the coding strand, the complement: ANKRD17 is on the minus strand). VCF-style: chr4-73258598-G-T. GRCh37 (hg19) VCF-style: chr4-74124315-G-T.
Other names: c.71C>A, p.Ala24Glu (NM_015574.2, NM_198889.3); short protein forms A24E.
Identifiers: ClinVar variation 3257291 (VCV003257291.17).